The following is an entry in ClinVar:

NM_023110.3(FGFR1):c.787G>A (p.Ala263Thr)

Gene: FGFR1 (fibroblast growth factor receptor 1; minus strand). Cytogenetic location: 8p11.23.
Variant type: single nucleotide variant.
Coding change: c.787G>A on transcript NM_023110.3 (MANE Select); coding-DNA position 787, G replaced by A.
Protein change: p.Ala263Thr; replaces alanine 263 with threonine.
Molecular consequence: missense variant.
Genome position (GRCh38, 1-based): chr8:38,424,658, C>T on the plus strand (G>A on the coding strand, the complement: FGFR1 is on the minus strand). VCF-style: chr8-38424658-C-T. GRCh37 (hg19) VCF-style: chr8-38282176-C-T.
Other names: c.787G>A, p.Ala263Thr (NM_001174063.2); c.763G>A, p.Ala255Thr (NM_001174064.2); c.781G>A, p.Ala261Thr (NM_001174065.2, NM_001354367.2, NM_001354369.2 and 1 more transcripts); c.520G>A, p.Ala174Thr (NM_001174066.2, NM_023105.3); c.880G>A, p.Ala294Thr (NM_001174067.2); c.514G>A, p.Ala172Thr (NM_001354368.2, NM_001354370.2, NM_023106.3); short protein forms A263T, A255T, A294T, A174T, A172T, A261T.
Identifiers: ClinVar variation 362898 (VCV000362898.5), dbSNP rs747978107, ClinGen allele CA4718641.

ClinVar aggregate classification (germline): Benign/Likely benign. Review status: criteria provided, single submitter (1 of 4 stars). 4 submissions from 1 submitter: Benign (2); Likely benign (2). Last evaluated 2018-01-13.

Conditions:
Hypogonadotropic hypogonadism 2 with or without anosmia (HH2). Also called: HYPOGONADOTROPIC HYPOGONADISM 2 WITH OR WITHOUT ANOSMIA, SUSCEPTIBILITY TO; HYPOGONADOTROPIC HYPOGONADISM 2 WITHOUT ANOSMIA, SUSCEPTIBILITY TO; FGFR1-Related GnRH Deficiency (Kallmann Syndrome 2); HYPOGONADOTROPIC HYPOGONADISM 2 WITHOUT ANOSMIA. Identifiers: Orphanet 478, MedGen C1563720, MONDO:0007844, OMIM 147950. Disease mechanism: loss of function.
Trigonocephaly 1 (TRIGNO1). Identifiers: Orphanet 3366, MedGen C0432122, MONDO:0008603, OMIM 190440.
Craniosynostosis syndrome. Also called: Craniosynostosis. Identifiers: Orphanet 1531, MedGen C0010278, MeSH D003398, MONDO:0015469, HP:0001363.
Osteoglophonic dysplasia (OGD). Also called: Osteoglophonic dwarfism. Identifiers: Orphanet 2645, MedGen C0432283, MONDO:0008150, OMIM 166250.

Allele frequency attached by ClinVar (database versions not stated): gnomAD exomes below 0.00001 and 0.00001; ExAC 0.00002.

Submissions (4):

Illumina Laboratory Services, Illumina
Classification: Likely benign for Hypogonadotropic hypogonadism 2 with or without anosmia. Last evaluated: 2018-01-13. Review status: criteria provided, single submitter. Criteria: ICSL Variant Classification Criteria 13 December 2019. Collection method: clinical testing. Allele origin: germline.
Comment: This variant was observed in the ICSL laboratory as part of a predisposition screen in an ostensibly healthy population. It had not been previously curated by ICSL or reported in the Human Gene Mutation Database (HGMD: prior to June 1st, 2018), and was therefore a candidate for classification through an automated scoring system. Utilizing variant allele frequency, disease prevalence and penetrance estimates, and inheritance mode, an automated score was calculated to assess if this variant is too frequent to cause the disease. Based on the score and internal cut-off values, a variant classified as likely benign is not then subjected to further curation. The score for this variant resulted in a classification of likely benign for this disease.

Illumina Laboratory Services, Illumina
Classification: Benign for Osteoglophonic dysplasia. Last evaluated: 2018-01-13. Review status: criteria provided, single submitter. Criteria: ICSL Variant Classification Criteria 13 December 2019. Collection method: clinical testing. Allele origin: germline.
Comment: This variant was observed in the ICSL laboratory as part of a predisposition screen in an ostensibly healthy population. It had not been previously curated by ICSL or reported in the Human Gene Mutation Database (HGMD: prior to June 1st, 2018), and was therefore a candidate for classification through an automated scoring system. Utilizing variant allele frequency, disease prevalence and penetrance estimates, and inheritance mode, an automated score was calculated to assess if this variant is too frequent to cause the disease. Based on the score and internal cut-off values, a variant classified as benign is not then subjected to further curation. The score for this variant resulted in a classification of benign for this disease.

Illumina Laboratory Services, Illumina
Classification: Likely benign for Craniosynostosis. Last evaluated: 2018-01-13. Review status: criteria provided, single submitter. Criteria: ICSL Variant Classification Criteria 13 December 2019. Collection method: clinical testing. Allele origin: germline.
Comment: the same text as in the submission from Illumina Laboratory Services, Illumina above.

Illumina Laboratory Services, Illumina
Classification: Benign for Trigonocephaly 1. Last evaluated: 2018-01-13. Review status: criteria provided, single submitter. Criteria: ICSL Variant Classification Criteria 13 December 2019. Collection method: clinical testing. Allele origin: germline.
Comment: the same text as in the submission from Illumina Laboratory Services, Illumina above.